The following is an entry in ClinVar:

NM_005633.4(SOS1):c.1558G>A (p.Asp520Asn)

Gene: SOS1 (SOS Ras/Rac guanine nucleotide exchange factor 1; minus strand). Cytogenetic location: 2p22.1.
Variant type: single nucleotide variant.
Coding change: c.1558G>A on transcript NM_005633.4 (MANE Select); coding-DNA position 1558, G replaced by A.
Protein change: p.Asp520Asn; replaces aspartic acid 520 with asparagine.
Molecular consequence: missense variant.
Genome position (GRCh38, 1-based): chr2:39,022,870, C>T on the plus strand (G>A on the coding strand, the complement: SOS1 is on the minus strand). VCF-style: chr2-39022870-C-T. GRCh37 (hg19) VCF-style: chr2-39250011-C-T.
Other names: p.Asp520Asn; c.1537G>A, p.Asp513Asn (NM_001382394.1); c.1558G>A, p.Asp520Asn (NM_001382395.1); short protein forms D520N, D513N.
Identifiers: ClinVar variation 656182 (VCV000656182.15), dbSNP rs754115060, ClinGen allele CA1624584.

ClinVar aggregate classification (germline): Uncertain significance. Review status: criteria provided, multiple submitters, no conflicts (2 of 4 stars). 6 submissions from 5 submitters: Uncertain significance (6). Last evaluated 2025-10-23.

Conditions:
Fibromatosis, gingival, 1 (GINGF1). Identifiers: Orphanet 2024, MedGen C4551558, MONDO:0007609, OMIM 135300.
Noonan syndrome 4 (NS4). Also called: SOS1-Related Noonan Syndrome; NOONAN SYNDROME WITH PIGMENTED VILLONODULAR SYNOVITIS. Identifiers: Orphanet 648, MedGen C1853120, MONDO:0012547, OMIM 610733.
RASopathy. Also called: rasopathies; Noonan spectrum disorder. Identifiers: Orphanet 536391, MedGen C5555857, MONDO:0021060.
Cardiovascular phenotype. Identifiers: MedGen CN230736.

Allele frequency attached by ClinVar (database versions not stated): gnomAD exomes below 0.00001; ExAC 0.00001; gnomAD 0.00001 and 0.00003; TOPMed 0.00002.
gnomAD v4.1: 2 of 1,612,656 alleles (0.00012%); highest among the groups gnomAD compares: African/African-American, 0.0027%; no homozygotes.

Submissions (6):

Ambry Genetics
Classification: Uncertain significance for Cardiovascular phenotype. Last evaluated: 2025-10-23. Review status: criteria provided, single submitter. Criteria: Ambry Variant Classification Scheme 2023. Collection method: clinical testing. Allele origin: germline.
Comment: The p.D520N variant (also known as c.1558G>A), located in coding exon 10 of the SOS1 gene, results from a G to A substitution at nucleotide position 1558. The aspartic acid at codon 520 is replaced by asparagine, an amino acid with highly similar properties. This amino acid position is highly conserved in available vertebrate species. In addition, this alteration is predicted to be tolerated by in silico analysis. Since supporting evidence is limited at this time, the clinical significance of this alteration remains unclear.

Labcorp Genetics (formerly Invitae), Labcorp
Classification: Uncertain significance for RASopathy. Last evaluated: 2025-07-30. Review status: criteria provided, single submitter. Criteria: Invitae Variant Classification Sherloc (09022015). Collection method: clinical testing. Allele origin: germline.
Comment: This sequence change replaces aspartic acid, which is acidic and polar, with asparagine, which is neutral and polar, at codon 520 of the SOS1 protein (p.Asp520Asn). This variant is present in population databases (rs754115060, gnomAD 0.007%). This variant has not been reported in the literature in individuals affected with SOS1-related conditions. ClinVar contains an entry for this variant (Variation ID: 656182). Invitae Evidence Modeling of protein sequence and biophysical properties (such as structural, functional, and spatial information, amino acid conservation, physicochemical variation, residue mobility, and thermodynamic stability) indicates that this missense variant is expected to disrupt SOS1 protein function with a positive predictive value of 95%. In summary, the available evidence is currently insufficient to determine the role of this variant in disease. Therefore, it has been classified as a Variant of Uncertain Significance.

Mayo Clinic Laboratories, Mayo Clinic
Classification: Uncertain significance. Last evaluated: 2023-07-06. Review status: criteria provided, single submitter. Criteria: ACMG Guidelines, 2015. Collection method: clinical testing. Allele origin: germline. Observed: 1 variant allele.
Comment: PP2

GeneDx
Classification: Uncertain significance. Last evaluated: 2022-05-18. Review status: criteria provided, single submitter. Criteria: GeneDx Variant Classification Process June 2021. Collection method: clinical testing. Allele origin: germline. Affected: yes.
Comment: Missense variants in this gene are often considered pathogenic (HGMD); In silico analysis supports that this missense variant does not alter protein structure/function; Has not been previously published as pathogenic or benign to our knowledge; This variant is associated with the following publications: (PMID: 29493581)

Genome-Nilou Lab
Classification: Uncertain significance for Noonan syndrome 4. Review status: criteria provided, single submitter. Criteria: ACMG Guidelines, 2015. Collection method: clinical testing. Allele origin: germline.

Genome-Nilou Lab
Classification: Uncertain significance for Fibromatosis, gingival, 1. Review status: criteria provided, single submitter. Criteria: ACMG Guidelines, 2015. Collection method: clinical testing. Allele origin: germline.